The following is an entry in ClinVar:

ClinVar aggregate classification (germline): Likely benign (0 of 4 stars; one submission).

Conditions:
NCAPG2-related disorder. Also called: NCAPG2-related condition.

Allele frequency attached by ClinVar (database versions not stated): gnomAD exomes 0.00025; ExAC 0.00036; ESP Exome Variant Server 0.00104; gnomAD 0.00109; TOPMed 0.00119; 1000 Genomes Project 30x 0.00125; 1000 Genomes Project 0.00140.
gnomAD v4.1: 541 of 1,612,464 alleles (0.034%); highest among the groups gnomAD compares: African/African-American, 0.32%; 1 homozygote.

Submission:

PreventionGenetics, part of Exact Sciences
Classification: Likely benign for NCAPG2-related condition. Last evaluated: 2019-07-11. Review status: no assertion criteria provided. Collection method: clinical testing. Allele origin: germline.
Comment: This variant is classified as likely benign based on ACMG/AMP sequence variant interpretation guidelines (Richards et al. 2015 PMID: 25741868, with internal and published modifications).

NM_017760.7(NCAPG2):c.2389-7A>G

Gene: NCAPG2 (non-SMC condensin II complex subunit G2; minus strand). Cytogenetic location: 7q36.3.
Variant type: single nucleotide variant.
Coding change: c.2389-7A>G on transcript NM_017760.7 (MANE Select); 7 bases into the intron before coding-DNA position 2389, A replaced by G.
Molecular consequence: intron variant.
Genome position (GRCh38, 1-based): chr7:158,655,462, T>C on the plus strand (A>G on the coding strand, the complement: NCAPG2 is on the minus strand). VCF-style: chr7-158655462-T-C. GRCh37 (hg19) VCF-style: chr7-158448154-T-C.
Other names: c.2389-7A>G (NM_001281932.2, NM_001281933.2).
Identifiers: ClinVar variation 3049288 (VCV003049288.2), dbSNP rs373429034, ClinGen allele CA4592553.
Genomic context (GRCh38, chr7:158,655,462, plus strand): 5'-ACTGAAGCCACGAGGCTTCCCACCCGGTGTCTGCAGAAGTGACTCCAGATCTGCCTGTAA[T>C]AGAAAAAACCCAAGGGCCACATGCTGACTGACAAGGCACCACCACACCCCGTACAGCAAG-3'